The following is an entry in ClinVar:

NM_000477.7(ALB):c.531A>T (p.Glu177Asp)

Gene: ALB (albumin; plus strand). Cytogenetic location: 4q13.3.
Variant type: single nucleotide variant.
Coding change: c.531A>T on transcript NM_000477.7 (MANE Select); coding-DNA position 531, A replaced by T.
Protein change: p.Glu177Asp; replaces glutamic acid 177 with aspartic acid.
Molecular consequence: missense variant.
Genome position (GRCh38, 1-based): chr4:73,409,403, A>T. VCF-style: chr4-73409403-A-T. GRCh37 (hg19) VCF-style: chr4-74275120-A-T.
Other names: short protein forms E177D.
Identifiers: ClinVar variation 349619 (VCV000349619.11), dbSNP rs149432908, ClinGen allele CA2959379.

ClinVar aggregate classification (germline): Conflicting classifications of pathogenicity. Review status: criteria provided, conflicting classifications (1 of 4 stars). 2 submissions from 2 submitters: Uncertain significance (1); Likely benign (1). Last evaluated 2025-06-12.

Conditions:
Hyperthyroxinemia, familial dysalbuminemic (FDAH). Also called: EUTHYROID HYPERTHYROXINEMIA 1. Identifiers: MedGen C0342185, MONDO:0014448, OMIM 615999.

Allele frequency attached by ClinVar (database versions not stated): 1000 Genomes Project 0.00020; 1000 Genomes Project 30x 0.00031; ExAC 0.00039; gnomAD exomes 0.00044; gnomAD 0.00053 and 0.00056; TOPMed 0.00061; ESP Exome Variant Server 0.00077.
gnomAD v4.1: 1,165 of 1,613,862 alleles (0.072%); highest among the groups gnomAD compares: Admixed American, 0.098%; no homozygotes.

Submissions (2):

Labcorp Genetics (formerly Invitae), Labcorp
Classification: Uncertain significance. Last evaluated: 2025-06-12. Review status: criteria provided, single submitter. Criteria: Invitae Variant Classification Sherloc (09022015). Collection method: clinical testing. Allele origin: germline.
Comment: This sequence change replaces glutamic acid, which is acidic and polar, with aspartic acid, which is acidic and polar, at codon 177 of the ALB protein (p.Glu177Asp). This variant is present in population databases (rs149432908, gnomAD 0.08%), and has an allele count higher than expected for a pathogenic variant. This variant has not been reported in the literature in individuals affected with ALB-related conditions. ClinVar contains an entry for this variant (Variation ID: 349619). Invitae Evidence Modeling of protein sequence and biophysical properties (such as structural, functional, and spatial information, amino acid conservation, physicochemical variation, residue mobility, and thermodynamic stability) indicates that this missense variant is expected to disrupt ALB protein function with a positive predictive value of 80%. In summary, the available evidence is currently insufficient to determine the role of this variant in disease. Therefore, it has been classified as a Variant of Uncertain Significance.

Illumina Laboratory Services, Illumina
Classification: Likely benign for Hyperthyroxinemia, familial dysalbuminemic. Last evaluated: 2018-01-13. Review status: criteria provided, single submitter. Criteria: ICSL Variant Classification Criteria 13 December 2019. Collection method: clinical testing. Allele origin: germline.
Comment: This variant was observed in the ICSL laboratory as part of a predisposition screen in an ostensibly healthy population. It had not been previously curated by ICSL or reported in the Human Gene Mutation Database (HGMD: prior to June 1st, 2018), and was therefore a candidate for classification through an automated scoring system. Utilizing variant allele frequency, disease prevalence and penetrance estimates, and inheritance mode, an automated score was calculated to assess if this variant is too frequent to cause the disease. Based on the score and internal cut-off values, a variant classified as likely benign is not then subjected to further curation. The score for this variant resulted in a classification of likely benign for this disease.